The following is an entry in ClinVar:

ClinVar aggregate classification (germline): Likely benign (1 of 4 stars; one submission).

Conditions:
Familial cancer of breast. Also called: Hereditary breast cancer; BREAST CANCER, FAMILIAL; hereditary breast carcinoma. Identifiers: Orphanet 227535, MedGen C0346153, MONDO:0016419, OMIM 114480. Disease mechanism: loss of function.

Submission:

Myriad Genetics, Inc.
Classification: Likely benign for Familial cancer of breast. Last evaluated: 2024-10-02. Review status: criteria provided, single submitter. Criteria: Myriad Autosomal Dominant, Autosomal Recessive and X-Linked Classification Criteria (2023). Collection method: clinical testing. Allele origin: unknown.
Comment: This variant is considered likely benign. This variant is intronic and is not expected to impact mRNA splicing.

NM_007194.4(CHEK2):c.445-9C>T

Gene: CHEK2 (checkpoint kinase 2; minus strand). Cytogenetic location: 22q12.1.
Variant type: single nucleotide variant.
Coding change: c.445-9C>T on transcript NM_007194.4 (MANE Select); 9 bases into the intron before coding-DNA position 445, C replaced by T.
Molecular consequence: intron variant.
Genome position (GRCh38, 1-based): chr22:28,725,133, G>A on the plus strand (C>T on the coding strand, the complement: CHEK2 is on the minus strand). VCF-style: chr22-28725133-G-A. GRCh37 (hg19) VCF-style: chr22-29121121-G-A.
Other names: c.-219-9C>T (NM_001437942.1); c.444+110C>T (NM_001349956.3); c.445-9C>T (NM_145862.3); c.-333-9C>T (NM_001257387.3); c.538-9C>T (NM_001438295.1, NM_001438293.1); c.574-9C>T (NM_001438294.1, NM_001005735.3).
Identifiers: ClinVar variation 3773243 (VCV003773243.1).
Genomic context (GRCh38, chr22:28,725,133, plus strand): 5'-TGCCACTGTGATCTTCTATGTATGCAATGTAAGAGTTTTTAGGACCCACTTCCTAAAATA[G>A]AGAACATTTTGTTTCAGACTTTGAATAGCAGAGATTTATAGTGGGAAAATATCTAAAAAC-3'